The following is an entry in ClinVar:

NM_001206744.2(TPO):c.2400_2401del (p.Ala801fs)

Genes: LALTOP (lung cancer associated lncRNA targeting TOP2A; minus strand), TPO (thyroid peroxidase; plus strand). Cytogenetic location: 2p25.3.
Variant type: Microsatellite.
Coding change: c.2400_2401del on transcript NM_001206744.2 (MANE Select); coding-DNA positions 2400 to 2401, 2 bases deleted (TG; older notation c.2400_2401delTG).
Protein change: p.Ala801fs; shifts the reading frame from alanine 801.
Molecular consequence: frameshift variant. On other transcripts: intron variant (1).
Genome position (GRCh38, 1-based): chr2:1,503,961-1,503,962, TG deleted; deleting any 2 consecutive bases within chr2:1,503,958-1,503,962 gives the same sequence; the c. name uses the placement nearest the transcript's 3' end. VCF-style (leftmost placement, unchanged base first): chr2-1503957-AGT-A. GRCh37 (hg19) VCF-style: chr2-1507729-AGT-A.
Other names: c.2229_2230del, p.Ala744fs (NM_175719.4, NM_001206745.2); c.1881_1882del, p.Ala628fs (NM_175722.3); c.2386+7196_2386+7197del (NM_175721.3); c.2400_2401del, p.Ala801fs (NM_000547.6); short protein forms A801fs, A628fs, A744fs.
Identifiers: ClinVar variation 2738509 (VCV002738509.3), dbSNP rs2546334707, ClinGen allele CA2697547811.

ClinVar aggregate classification (germline): Pathogenic (1 of 4 stars; one submission).

Submission:

Labcorp Genetics (formerly Invitae), Labcorp
Classification: Pathogenic. Last evaluated: 2023-07-08. Review status: criteria provided, single submitter. Criteria: Invitae Variant Classification Sherloc (09022015). Collection method: clinical testing. Allele origin: germline.
Comment: This sequence change creates a premature translational stop signal (p.Ala801Argfs*78) in the TPO gene. It is expected to result in an absent or disrupted protein product. Loss-of-function variants in TPO are known to be pathogenic (PMID: 11061528, 23236987, 25564141). This variant is not present in population databases (gnomAD no frequency). This variant has not been reported in the literature in individuals affected with TPO-related conditions. For these reasons, this variant has been classified as Pathogenic.

Literature cited by the submitters: PubMed 11061528; PubMed 23236987; PubMed 25564141.